The following is an entry in ClinVar:

NM_000289.6(PFKM):c.459C>T (p.Ser153=)

Gene: PFKM (phosphofructokinase, muscle; plus strand). Cytogenetic location: 12q13.11.
Variant type: single nucleotide variant.
Coding change: c.459C>T on transcript NM_000289.6 (MANE Select); coding-DNA position 459, C replaced by T.
Protein change: p.Ser153=; no amino-acid change (serine 153 retained).
Molecular consequence: synonymous variant. On other transcripts: non-coding transcript variant (6).
Genome position (GRCh38, 1-based): chr12:48,133,346, C>T. VCF-style: chr12-48133346-C-T. GRCh37 (hg19) VCF-style: chr12-48527129-C-T.
Other names: c.672C>T, p.Ser224= (NM_001166686.2, NM_001354737.1, NM_001354738.1 and 1 more transcripts); c.459C>T, p.Ser153= (NM_001166687.2, NM_001166688.2, NM_001354742.2 and 4 more transcripts); c.768C>T, p.Ser256= (NM_001354735.1, NM_001354736.1); c.603C>T, p.Ser201= (NM_001354740.1); c.483C>T, p.Ser161= (NM_001354741.2); c.372C>T, p.Ser124= (NM_001354745.2); c.309C>T, p.Ser103= (NM_001354747.2, NM_001354748.2).
Identifiers: ClinVar variation 682120 (VCV000682120.13), dbSNP rs145519821, ClinGen allele CA6537003.

ClinVar aggregate classification (germline): Likely benign. Review status: criteria provided, multiple submitters, no conflicts (2 of 4 stars). 5 submissions from 5 submitters: Likely benign (3). 2 of the submissions do not count toward it. Last evaluated 2026-01-13.

Conditions:
Glycogen storage disease, type VII (GSD7). Also called: GSD VII; MUSCLE PHOSPHOFRUCTOKINASE DEFICIENCY; PFKM DEFICIENCY; TARUI DISEASE. Identifiers: Orphanet 371, MedGen C0017926, MONDO:0009295, OMIM 232800.
PFKM-related disorder. Also called: PFKM-related condition.

Allele frequency attached by ClinVar (database versions not stated): gnomAD exomes 0.00002; ExAC 0.00006; ESP Exome Variant Server 0.00015; gnomAD 0.00018 and 0.00021; TOPMed 0.00020; 1000 Genomes Project 0.00040; 1000 Genomes Project 30x 0.00047.
gnomAD v4.1: 58 of 1,614,132 alleles (0.0036%); highest among the groups gnomAD compares: African/African-American, 0.072%; no homozygotes.

Submissions (5):

Labcorp Genetics (formerly Invitae), Labcorp
Classification: Likely benign for Glycogen storage disease, type VII. Last evaluated: 2026-01-13. Review status: criteria provided, single submitter. Criteria: Invitae Variant Classification Sherloc (09022015). Collection method: clinical testing. Allele origin: germline.

ARUP Laboratories, Molecular Genetics and Genomics, ARUP Laboratories
Classification: Likely benign for Glycogen storage disease, type VII. Last evaluated: 2025-06-06. Review status: criteria provided, single submitter. Criteria: ARUP Molecular Germline Variant Investigation Process 2024. Collection method: clinical testing. Allele origin: germline.

GeneDx
Classification: Likely benign. Last evaluated: 2018-05-01. Review status: criteria provided, single submitter. Criteria: GeneDx Variant Classification (06012015). Collection method: clinical testing. Allele origin: germline. Affected: yes.
Comment: This variant is considered likely benign or benign based on one or more of the following criteria: it is a conservative change, it occurs at a poorly conserved position in the protein, it is predicted to be benign by multiple in silico algorithms, and/or has population frequency not consistent with disease.

PreventionGenetics, part of Exact Sciences
Classification: Likely benign for PFKM-related condition. Last evaluated: 2021-10-05. Review status: no assertion criteria provided. Collection method: clinical testing. Allele origin: germline. Not counted in ClinVar's aggregate classification.
Comment: This variant is classified as likely benign based on ACMG/AMP sequence variant interpretation guidelines (Richards et al. 2015 PMID: 25741868, with internal and published modifications).

Natera, Inc.
Classification: Likely benign for Glycogen storage disease type VII. Last evaluated: 2020-11-14. Review status: no assertion criteria provided. Collection method: clinical testing. Allele origin: germline. Not counted in ClinVar's aggregate classification.